The following is an entry in ClinVar:

ClinVar aggregate classification (germline): Conflicting classifications of pathogenicity. Review status: criteria provided, conflicting classifications (1 of 4 stars). 6 submissions from 6 submitters: Uncertain significance (4); Likely benign (2). Last evaluated 2026-09-10.

Conditions:
Megacystis-microcolon-intestinal hypoperistalsis syndrome 2. Identifiers: MedGen C5543476, MONDO:0025708, OMIM 619351.
Aortic aneurysm, familial thoracic 4 (AAT4). Also called: AORTIC ANEURYSM/AORTIC DISSECTION AND PATENT DUCTUS ARTERIOSUS. Identifiers: MedGen C1851504, MONDO:0007568, OMIM 132900.
Isolated thoracic aortic aneurysm.
Familial thoracic aortic aneurysm and aortic dissection (TAAD). Also called: Thoracic aortic aneurysms and dissections. Identifiers: Orphanet 91387, MedGen C4707243, MONDO:0019625.

Allele frequency attached by ClinVar (database versions not stated): TOPMed 0.00003; ExAC 0.00004; gnomAD exomes 0.00010; gnomAD 0.00001.
gnomAD v4.1: 45 of 1,614,050 alleles (0.0028%); highest among the groups gnomAD compares: Admixed American, 0.032%; no homozygotes.

Submissions (6):

GeneDx
Classification: Uncertain significance. Last evaluated: 2026-09-10. Review status: criteria provided, single submitter. Criteria: GeneDx Variant Classification Process June 2021. Collection method: clinical testing. Allele origin: germline.
Comment: In silico analysis suggests that this missense variant does not alter protein structure/function; This variant is associated with the following publications: (PMID: 33824467)

Ambry Genetics
Classification: Uncertain significance for Familial thoracic aortic aneurysm and aortic dissection. Last evaluated: 2026-08-13. Review status: criteria provided, single submitter. Criteria: Ambry Variant Classification Scheme 2023. Collection method: clinical testing. Allele origin: germline.
Comment: The c.3375G>C (p.E1125D) alteration is located in exon 26 (coding exon 25) of the MYH11 gene. This alteration results from a G to C substitution at nucleotide position 3375, causing the glutamic acid (E) at amino acid position 1125 to be replaced by an aspartic acid (D). Based on data from gnomAD, the C allele has an overall frequency of 0.01% (25/251490) total alleles studied. The highest observed frequency was 0.052% (18/34592) of Latino alleles. Based on insufficient or conflicting evidence, the clinical significance of this alteration remains unclear.

Molecular Diagnostic Laboratory for Inherited Cardiovascular Disease, Montreal Heart Institute
Classification: Likely benign. Last evaluated: 2025-04-09. Review status: criteria provided, single submitter. Criteria: ACMG Guidelines, 2015. Collection method: clinical testing. Allele origin: germline. Affected: no.
Comment: BS1, BP4

Labcorp Genetics (formerly Invitae), Labcorp
Classification: Uncertain significance for Aortic aneurysm, familial thoracic 4. Last evaluated: 2024-08-29. Review status: criteria provided, single submitter. Criteria: Invitae Variant Classification Sherloc (09022015). Collection method: clinical testing. Allele origin: germline.
Comment: This sequence change replaces glutamic acid, which is acidic and polar, with aspartic acid, which is acidic and polar, at codon 1132 of the MYH11 protein (p.Glu1132Asp). This variant is present in population databases (rs779019646, gnomAD 0.05%). This missense change has been observed in individual(s) with thoracic aortic aneurysm and dissection (PMID: 33824467). This variant is also known as c.3375G>C, p.(Glu1125Asp). ClinVar contains an entry for this variant (Variation ID: 629338). Invitae Evidence Modeling of protein sequence and biophysical properties (such as structural, functional, and spatial information, amino acid conservation, physicochemical variation, residue mobility, and thermodynamic stability) indicates that this missense variant is not expected to disrupt MYH11 protein function with a negative predictive value of 95%. In summary, the available evidence is currently insufficient to determine the role of this variant in disease. Therefore, it has been classified as a Variant of Uncertain Significance.

Color Diagnostics, LLC DBA Color Health
Classification: Likely benign for Familial thoracic aortic aneurysm and aortic dissection. Last evaluated: 2023-02-28. Review status: criteria provided, single submitter. Criteria: ACMG Guidelines, 2015. Collection method: clinical testing. Allele origin: germline.

Department of Vascular Biology, Beijing Anzhen Hospital
Classification: Uncertain significance for Isolated thoracic aortic aneurysm. Last evaluated: 2018-09-01. Review status: criteria provided, single submitter. Criteria: ACMG Guidelines, 2015. Collection method: research. Allele origin: germline. Affected: yes.

Literature cited by the submitters: PubMed 33824467 (cited by Labcorp Genetics (formerly Invitae), Labcorp).

NM_002474.3(MYH11):c.3375G>C (p.Glu1125Asp)

Gene: MYH11 (myosin heavy chain 11; minus strand). Cytogenetic location: 16p13.11.
Variant type: single nucleotide variant.
Coding change: c.3375G>C on transcript NM_002474.3 (MANE Select); coding-DNA position 3375, G replaced by C.
Protein change: p.Glu1125Asp; replaces glutamic acid 1125 with aspartic acid.
Molecular consequence: missense variant.
Genome position (GRCh38, 1-based): chr16:15,735,497, C>G on the plus strand (G>C on the coding strand, the complement: MYH11 is on the minus strand). VCF-style: chr16-15735497-C-G. GRCh37 (hg19) VCF-style: chr16-15829354-C-G.
Other names: c.3396G>C, p.Glu1132Asp (NM_001040113.2, NM_001040114.2); c.3375G>C, p.Glu1125Asp (NM_022844.3); short protein forms E1132D, E1125D.
Identifiers: ClinVar variation 629338 (VCV000629338.22), dbSNP rs779019646, ClinGen allele CA7922008.